The following is an entry in ClinVar:

NM_001134831.2(AHI1):c.2798A>G (p.Tyr933Cys)

Gene: AHI1 (Abelson helper integration site 1; minus strand). Cytogenetic location: 6q23.3.
Variant type: single nucleotide variant.
Coding change: c.2798A>G on transcript NM_001134831.2 (MANE Select); coding-DNA position 2798, A replaced by G.
Protein change: p.Tyr933Cys; replaces tyrosine 933 with cysteine.
Molecular consequence: missense variant.
Genome position (GRCh38, 1-based): chr6:135,411,511, T>C on the plus strand (A>G on the coding strand, the complement: AHI1 is on the minus strand). VCF-style: chr6-135411511-T-C. GRCh37 (hg19) VCF-style: chr6-135732649-T-C.
Other names: c.2798A>G, p.Tyr933Cys (NM_001134830.2, NM_001134832.2, NM_001350503.2 and 2 more transcripts); short protein forms Y933C.
Identifiers: ClinVar variation 195518 (VCV000195518.67), dbSNP rs41288013, ClinGen allele CA201799.
Genomic context (GRCh38, chr6:135,411,511, plus strand): 5'-GGACAGGTACATAGGGCATCTTGACTTTGGTGTATTCCAGGTAATGGAAATGTTCCATTG[T>C]AGCGTTTGAACATTTCAGCCTCCTGCTGGGCAACTGAAGAAATGAATCCATAATTAGTTA-3'
Protein context (NP_001128303.1, residues 923-943): AQQEAEMFKR[Tyr933Cys]NGTFPLPGIH

ClinVar aggregate classification (germline): Benign/Likely benign. Review status: criteria provided, multiple submitters, no conflicts (2 of 4 stars). 11 submissions from 11 submitters: Benign (5); Likely benign (3). 3 of the submissions do not count toward it. Last evaluated 2026-09-01.

Conditions:
Joubert syndrome 3 (JBTS3). Also called: AHI1-related Ciliopathy. Identifiers: Orphanet 220493, MedGen C1837713, MONDO:0012078, OMIM 608629.
Joubert syndrome. Also called: JOUBERT-BOLTSHAUSER SYNDROME; Familial aplasia of the vermis. Identifiers: Orphanet 475, MedGen C5979921, MONDO:0018772.

Allele frequency attached by ClinVar (database versions not stated): 1000 Genomes Project 0.00160; 1000 Genomes Project 30x 0.00219; ExAC 0.00396; gnomAD exomes 0.00407 and 0.00489; gnomAD 0.00452 and 0.00466; ESP Exome Variant Server 0.00458; TOPMed 0.00479.
gnomAD v4.1: 7,747 of 1,604,136 alleles (0.48%); highest among the groups gnomAD compares: Middle Eastern, 0.88%; 26 homozygotes.

Submissions (11):

CeGaT Center for Human Genetics Tuebingen
Classification: Likely benign. Last evaluated: 2026-09-01. Review status: criteria provided, single submitter. Criteria: CeGaT Center For Human Genetics Tuebingen Variant Classification Criteria Version 2. Collection method: clinical testing. Allele origin: germline. Affected: yes. Observed: 26 variant alleles.
Comment: AHI1: BP4, BS2

Labcorp Genetics (formerly Invitae), Labcorp
Classification: Benign for Joubert syndrome. Last evaluated: 2026-02-04. Review status: criteria provided, single submitter. Criteria: Invitae Variant Classification Sherloc (09022015). Collection method: clinical testing. Allele origin: germline.

Blueprint Genetics
Classification: Likely benign. Last evaluated: 2024-11-15. Review status: criteria provided, single submitter. Criteria: ACMG Guidelines, 2015. Collection method: clinical testing. Allele origin: germline.

Mayo Clinic Laboratories, Mayo Clinic
Classification: Benign. Last evaluated: 2023-01-16. Review status: criteria provided, single submitter. Criteria: ACMG Guidelines, 2015. Collection method: clinical testing. Allele origin: germline. Observed: 3 variant alleles.
Comment: BS1, BS2, BP4

GeneDx
Classification: Benign. Last evaluated: 2019-01-18. Review status: criteria provided, single submitter. Criteria: GeneDx Variant Classification Process June 2021. Collection method: clinical testing. Allele origin: germline. Affected: yes.
Comment: This variant is associated with the following publications: (PMID: 23352163, 26096313, 16453322)

Illumina Laboratory Services, Illumina
Classification: Likely benign for Joubert syndrome 3. Last evaluated: 2018-01-13. Review status: criteria provided, single submitter. Criteria: ICSL Variant Classification Criteria 13 December 2019. Collection method: clinical testing. Allele origin: germline.
Comment: This variant was observed in the ICSL laboratory as part of a predisposition screen in an ostensibly healthy population. It had not been previously curated by ICSL or reported in the Human Gene Mutation Database (HGMD: prior to June 1st, 2018), and was therefore a candidate for classification through an automated scoring system. Utilizing variant allele frequency, disease prevalence and penetrance estimates, and inheritance mode, an automated score was calculated to assess if this variant is too frequent to cause the disease. Based on the score and internal cut-off values, a variant classified as likely benign is not then subjected to further curation. The score for this variant resulted in a classification of likely benign for this disease.

Eurofins Ntd Llc (ga)
Classification: Benign. Last evaluated: 2015-03-05. Review status: criteria provided, single submitter. Criteria: EGL Classification Definitions 2015. Collection method: clinical testing. Allele origin: germline.

PreventionGenetics, part of Exact Sciences
Classification: Benign. Review status: criteria provided, single submitter. Criteria: ACMG Guidelines, 2015. Collection method: clinical testing. Allele origin: germline.

Genetic Services Laboratory, University of Chicago
Classification: Likely benign. Last evaluated: 2022-09-08. Review status: no assertion criteria provided. Collection method: clinical testing. Allele origin: germline. Affected: no. Not counted in ClinVar's aggregate classification.

Clinical Genetics, Academic Medical Center
Classification: Benign. Review status: no assertion criteria provided. Collection method: clinical testing. Allele origin: germline. Affected: yes. Study: VKGL Data-share Consensus. Not counted in ClinVar's aggregate classification.

Genome Diagnostics Laboratory, University Medical Center Utrecht
Classification: Likely benign. Review status: no assertion criteria provided. Collection method: clinical testing. Allele origin: germline. Affected: yes. Study: VKGL Data-share Consensus. Not counted in ClinVar's aggregate classification.